The following is an entry in ClinVar:

NC_000022.10:g.(?_21288047)_(21288552_?)del

Gene: CRKL (CRK like proto-oncogene, adaptor protein; plus strand). Cytogenetic location: 22q11.21.
Variant type: Deletion.
Identifiers: ClinVar variation 3248107 (VCV003248107.1).

ClinVar aggregate classification (germline): Uncertain significance (1 of 4 stars; one submission).

Submission:

Labcorp Genetics (formerly Invitae), Labcorp
Classification: Uncertain significance. Last evaluated: 2023-11-08. Review status: criteria provided, single submitter. Criteria: Invitae Variant Classification Sherloc (09022015). Collection method: clinical testing. Allele origin: unknown.
Comment: This variant is a gross deletion of the genomic region encompassing exon(s) 2 of the CRKL gene. This deletion is out-of-frame, and is expected to create a premature translational stop signal and result in an absent or disrupted protein product. However, the current clinical and genetic evidence is not sufficient to establish whether loss-of-function variants in CRKL cause disease. This variant has not been reported in the literature in individuals affected with CRKL-related conditions. In summary, the available evidence is currently insufficient to determine the role of this variant in disease. Therefore, it has been classified as a Variant of Uncertain Significance.